The following is an entry in ClinVar:

ClinVar aggregate classification (germline): Uncertain significance (1 of 4 stars; one submission).

Conditions:
Neuropathy, hereditary sensory and autonomic, type 2A (HSAN2A). Also called: ACROOSTEOLYSIS, GIACCAI TYPE; ACROOSTEOLYSIS, NEUROGENIC; MORVAN DISEASE; NEUROPATHY, CONGENITAL SENSORY; NEUROPATHY, HEREDITARY SENSORY RADICULAR, AUTOSOMAL RECESSIVE; NEUROPATHY, HEREDITARY SENSORY, TYPE IIA. Identifiers: Orphanet 970, MedGen C2752089, MONDO:0024309, OMIM 201300.
Pseudohypoaldosteronism type 2C (PHA2C). Also called: Pseudohypoaldosteronism Type IIC. Identifiers: Orphanet 757, Orphanet 88940, MedGen C1840391, MONDO:0013778, OMIM 614492.

Submission:

Labcorp Genetics (formerly Invitae), Labcorp
Classification: Uncertain significance for Neuropathy, hereditary sensory and autonomic, type 2A; Pseudohypoaldosteronism type 2C. Last evaluated: 2022-04-28. Review status: criteria provided, single submitter. Criteria: Invitae Variant Classification Sherloc (09022015). Collection method: clinical testing. Allele origin: germline.
Comment: In summary, the available evidence is currently insufficient to determine the role of this variant in disease. Therefore, it has been classified as a Variant of Uncertain Significance. This variant has not been reported in the literature in individuals affected with WNK1-related conditions. Advanced modeling of protein sequence and biophysical properties (such as structural, functional, and spatial information, amino acid conservation, physicochemical variation, residue mobility, and thermodynamic stability) performed at Invitae indicates that this missense variant is not expected to disrupt WNK1 protein function. This sequence change replaces proline, which is neutral and non-polar, with arginine, which is basic and polar, at codon 704 of the WNK1 protein (p.Pro704Arg). This variant is not present in population databases (gnomAD no frequency).

NM_018979.4(WNK1):c.2111C>G (p.Pro704Arg)

Gene: WNK1 (WNK lysine deficient protein kinase 1; plus strand). Cytogenetic location: 12p13.33.
Variant type: single nucleotide variant.
Coding change: c.2111C>G on transcript NM_018979.4 (MANE Select); coding-DNA position 2111, C replaced by G.
Protein change: p.Pro704Arg; replaces proline 704 with arginine.
Molecular consequence: missense variant.
Genome position (GRCh38, 1-based): chr12:862,242, C>G. VCF-style: chr12-862242-C-G. GRCh37 (hg19) VCF-style: chr12-971408-C-G.
Other names: c.2111C>G, p.Pro704Arg (NM_001184985.2, NM_014823.3, NM_213655.5); short protein forms P704R.
Identifiers: ClinVar variation 2089155 (VCV002089155.4), dbSNP rs1951273372, ClinGen allele CA383336705.